The following is an entry in ClinVar:

ClinVar aggregate classification (germline): Pathogenic (1 of 4 stars; one submission).

Conditions:
Perlman syndrome (PRLMNS). Identifiers: Orphanet 2849, MedGen C0796113, MONDO:0009965, OMIM 267000.

Submission:

Labcorp Genetics (formerly Invitae), Labcorp
Classification: Pathogenic for Perlman syndrome. Last evaluated: 2023-07-19. Review status: criteria provided, single submitter. Criteria: Invitae Variant Classification Sherloc (09022015). Collection method: clinical testing. Allele origin: germline.
Comment: This sequence change creates a premature translational stop signal (p.Gln318*) in the DIS3L2 gene. It is expected to result in an absent or disrupted protein product. Loss-of-function variants in DIS3L2 are known to be pathogenic (PMID: 22306653, 28328139). This variant is not present in population databases (gnomAD no frequency). This variant has not been reported in the literature in individuals affected with DIS3L2-related conditions. For these reasons, this variant has been classified as Pathogenic.

Literature cited by the submitters: PubMed 22306653; PubMed 28328139.

NM_152383.5(DIS3L2):c.952C>T (p.Gln318Ter)

Gene: DIS3L2 (DIS3 like 3'-5' exoribonuclease 2; plus strand). Cytogenetic location: 2q37.1.
Variant type: single nucleotide variant.
Coding change: c.952C>T on transcript NM_152383.5 (MANE Select); coding-DNA position 952, C replaced by T.
Protein change: p.Gln318Ter; replaces glutamine 318 with a stop codon.
Molecular consequence: nonsense. On other transcripts: non-coding transcript variant (2).
Genome position (GRCh38, 1-based): chr2:232,163,460, C>T. VCF-style: chr2-232163460-C-T. GRCh37 (hg19) VCF-style: chr2-233028170-C-T.
Other names: c.952C>T, p.Gln318Ter (NM_001257281.2); short protein forms Q318*.
Identifiers: ClinVar variation 2745098 (VCV002745098.3), dbSNP rs2469895386, ClinGen allele CA351154159.